The following is an entry in ClinVar:

NM_001040142.2(SCN2A):c.1479G>A (p.Leu493=)

Gene: SCN2A (sodium voltage-gated channel alpha subunit 2; plus strand). Cytogenetic location: 2q24.3.
Variant type: single nucleotide variant.
Coding change: c.1479G>A on transcript NM_001040142.2 (MANE Select); coding-DNA position 1479, G replaced by A.
Protein change: p.Leu493=; no amino-acid change (leucine 493 retained).
Molecular consequence: synonymous variant.
Genome position (GRCh38, 1-based): chr2:165,315,566, G>A. VCF-style: chr2-165315566-G-A. GRCh37 (hg19) VCF-style: chr2-166172076-G-A.
Other names: c.1479G>A, p.Leu493= (NM_001040143.2, NM_001371246.1, NM_001371247.1 and 1 more transcripts).
Identifiers: ClinVar variation 698724 (VCV000698724.15), dbSNP rs182457234, ClinGen allele CA1939832.
Genomic context (GRCh38, chr2:165,315,566, plus strand): 5'-CTTCAGTGGTGCTGGTGGGATAGGAGTTTTTTCAGAGAGTTCTTCAGTAGCATCTAAGTT[G>A]AGCTCCAAAAGTGAAAAAGAGCTGAAAAACAGAAGAAAGAAAAAGAAACAGAAAGAACAG-3'
Protein context (NP_001035232.1, residues 483-503): FSESSSVASK[Leu493=]SSKSEKELKN

ClinVar aggregate classification (germline): Benign/Likely benign. Review status: criteria provided, multiple submitters, no conflicts (2 of 4 stars). 2 submissions from 2 submitters: Benign (1); Likely benign (1). Last evaluated 2026-03-01.

Conditions:
Developmental and epileptic encephalopathy, 11 (DEE11). Also called: Early infantile epileptic encephalopathy 11. Identifiers: Orphanet 1934, MedGen C3150987, MONDO:0013388, OMIM 613721.
Seizures, benign familial infantile, 3 (BFIS3). Also called: Familial neonatal seizures; CONVULSIONS, BENIGN FAMILIAL INFANTILE, 3. Identifiers: Orphanet 140927, Orphanet 306, MedGen C1843140, MONDO:0011904, OMIM 607745.

Allele frequency attached by ClinVar (database versions not stated): gnomAD 0.00002 and 0.00004; gnomAD exomes 0.00002 and 0.00012; TOPMed 0.00008; ExAC 0.00010; 1000 Genomes Project 30x 0.00031; 1000 Genomes Project 0.00040.
gnomAD v4.1: 36 of 1,613,946 alleles (0.0022%); highest among the groups gnomAD compares: East Asian, 0.076%; no homozygotes.

Submissions (2):

CeGaT Center for Human Genetics Tuebingen
Classification: Likely benign. Last evaluated: 2026-03-01. Review status: criteria provided, single submitter. Criteria: CeGaT Center For Human Genetics Tuebingen Variant Classification Criteria Version 2. Collection method: clinical testing. Allele origin: germline. Affected: yes. Observed: 1 variant allele.
Comment: SCN2A: BP4

Labcorp Genetics (formerly Invitae), Labcorp
Classification: Benign for Seizures, benign familial infantile, 3; Developmental and epileptic encephalopathy, 11. Last evaluated: 2024-02-18. Review status: criteria provided, single submitter. Criteria: Invitae Variant Classification Sherloc (09022015). Collection method: clinical testing. Allele origin: germline.